The following is an entry in ClinVar:

ClinVar aggregate classification (germline): Uncertain significance (1 of 4 stars; one submission).

Allele frequency attached by ClinVar (database versions not stated): gnomAD 0.00006; ESP Exome Variant Server 0.00046.
gnomAD v4.1: 87 of 1,611,954 alleles (0.0054%); highest among the groups gnomAD compares: Non-Finnish European, 0.0065%; no homozygotes.

Submission:

Labcorp Genetics (formerly Invitae), Labcorp
Classification: Uncertain significance. Last evaluated: 2023-10-08. Review status: criteria provided, single submitter. Criteria: Invitae Variant Classification Sherloc (09022015). Collection method: clinical testing. Allele origin: germline.
Comment: This sequence change replaces arginine, which is basic and polar, with glutamine, which is neutral and polar, at codon 230 of the KRT17 protein (p.Arg230Gln). This variant is present in population databases (rs137961542, gnomAD 0.01%). This variant has not been reported in the literature in individuals affected with KRT17-related conditions. ClinVar contains an entry for this variant (Variation ID: 2417338). Advanced modeling of protein sequence and biophysical properties (such as structural, functional, and spatial information, amino acid conservation, physicochemical variation, residue mobility, and thermodynamic stability) has been performed at Invitae for this missense variant, however the output from this modeling did not meet the statistical confidence thresholds required to predict the impact of this variant on KRT17 protein function. In summary, the available evidence is currently insufficient to determine the role of this variant in disease. Therefore, it has been classified as a Variant of Uncertain Significance.

NM_000422.3(KRT17):c.689G>A (p.Arg230Gln)

Gene: KRT17 (keratin 17; minus strand). Cytogenetic location: 17q21.2.
Variant type: single nucleotide variant.
Coding change: c.689G>A on transcript NM_000422.3 (MANE Select); coding-DNA position 689, G replaced by A.
Protein change: p.Arg230Gln; replaces arginine 230 with glutamine.
Molecular consequence: missense variant.
Genome position (GRCh38, 1-based): chr17:41,621,738, C>T on the plus strand (G>A on the coding strand, the complement: KRT17 is on the minus strand). VCF-style: chr17-41621738-C-T. GRCh37 (hg19) VCF-style: chr17-39777990-C-T.
Other names: short protein forms R230Q.
Identifiers: ClinVar variation 2417338 (VCV002417338.6), dbSNP rs137961542, ClinGen allele CA8563634.